The following is an entry in ClinVar:

NM_007118.4(TRIO):c.2991A>C (p.Gln997His)

Gene: TRIO (trio Rho guanine nucleotide exchange factor; plus strand). Cytogenetic location: 5p15.2.
Variant type: single nucleotide variant.
Coding change: c.2991A>C on transcript NM_007118.4 (MANE Select); coding-DNA position 2991, A replaced by C.
Protein change: p.Gln997His; replaces glutamine 997 with histidine.
Molecular consequence: missense variant. On other transcripts: non-coding transcript variant (1).
Genome position (GRCh38, 1-based): chr5:14,368,824, A>C. VCF-style: chr5-14368824-A-C. GRCh37 (hg19) VCF-style: chr5-14368933-A-C.
Other names: short protein forms Q997H.
Identifiers: ClinVar variation 4975664 (VCV004975664.1).

ClinVar aggregate classification (germline): Uncertain significance (1 of 4 stars; one submission).

Submission:

GeneDx
Classification: Uncertain significance. Last evaluated: 2026-01-25. Review status: criteria provided, single submitter. Criteria: GeneDx Variant Classification Process June 2021. Collection method: clinical testing. Allele origin: germline.
Comment: Not observed at significant frequency in large population cohorts (gnomAD); In silico analysis supports that this missense variant has a deleterious effect on protein structure/function; Has not been previously published as pathogenic or benign to our knowledge